The following is an entry in ClinVar:

ClinVar aggregate classification (germline): Uncertain significance (1 of 4 stars; one submission).

Submission:

Labcorp Genetics (formerly Invitae), Labcorp
Classification: Uncertain significance. Last evaluated: 2022-08-09. Review status: criteria provided, single submitter. Criteria: Invitae Variant Classification Sherloc (09022015). Collection method: clinical testing. Allele origin: germline.
Comment: In summary, the available evidence is currently insufficient to determine the role of this variant in disease. Therefore, it has been classified as a Variant of Uncertain Significance. Algorithms developed to predict the effect of missense changes on protein structure and function are either unavailable or do not agree on the potential impact of this missense change (SIFT: "Deleterious"; PolyPhen-2: "Benign"; Align-GVGD: "Class C0"). ClinVar contains an entry for this variant (Variation ID: 1427701). This variant has not been reported in the literature in individuals affected with RCBTB1-related conditions. This variant is not present in population databases (gnomAD no frequency). This sequence change replaces glutamic acid, which is acidic and polar, with lysine, which is basic and polar, at codon 132 of the RCBTB1 protein (p.Glu132Lys).

NM_018191.4(RCBTB1):c.394G>A (p.Glu132Lys)

Gene: RCBTB1 (RCC1 and BTB domain containing protein 1; minus strand). Cytogenetic location: 13q14.2.
Variant type: single nucleotide variant.
Coding change: c.394G>A on transcript NM_018191.4 (MANE Select); coding-DNA position 394, G replaced by A.
Protein change: p.Glu132Lys; replaces glutamic acid 132 with lysine.
Molecular consequence: missense variant. On other transcripts: 5 prime UTR variant (1), non-coding transcript variant (2).
Genome position (GRCh38, 1-based): chr13:49,559,968, C>T on the plus strand (G>A on the coding strand, the complement: RCBTB1 is on the minus strand). VCF-style: chr13-49559968-C-T. GRCh37 (hg19) VCF-style: chr13-50134104-C-T.
Other names: c.394G>A, p.Glu132Lys (NM_001352500.2, NM_001352501.2, NM_001352502.2 and 3 more transcripts); c.-216G>A (NM_001352506.2); short protein forms E132K.
Identifiers: ClinVar variation 1427701 (VCV001427701.6), dbSNP rs2139231719, ClinGen allele CA388192184.